The following is an entry in ClinVar:

ClinVar aggregate classification (germline): Conflicting classifications of pathogenicity. Review status: criteria provided, conflicting classifications (1 of 4 stars). 2 submissions from 2 submitters: Pathogenic (1); Uncertain significance (1). Last evaluated 2025-10-14.

Conditions:
Inborn genetic diseases. Identifiers: MedGen C0950123, MeSH D030342.
Hypohidrotic X-linked ectodermal dysplasia (XHED). Also called: Anhidrotic ectodermal dysplasia X-linked; Christ Siemens Touraine syndrome; ECTODERMAL DYSPLASIA 1, HYPOHIDROTIC, X-LINKED; ECTODERMAL DYSPLASIA 1, HYPOHIDROTIC/HAIR/TOOTH TYPE, X-LINKED; Christ-Siemans-Touraine syndrome; ECTODERMAL DYSPLASIA, HYPOHIDROTIC, 1. Identifiers: Orphanet 181, Orphanet 238468, MedGen C0162359, MONDO:0010585, OMIM 305100.

Submissions (2):

Ambry Genetics
Classification: Uncertain significance for Inborn genetic diseases. Last evaluated: 2025-10-14. Review status: criteria provided, single submitter. Criteria: Ambry Variant Classification Scheme 2023. Collection method: clinical testing. Allele origin: germline.
Comment: The c.660_668delAGGTCCTCC (p.P223_P225del) alteration, located in exon 4 (coding exon 4) of the EDA gene, results from an in-frame deletion of 9 nucleotides at positions c.660 to c.668. This results in the deletion of 3 amino acids between codons p.223 and p.225. Based on data from gnomAD, this allele has an overall frequency of 0.002% (3/147376) total alleles studied. The highest observed frequency was 0.004% (1/24481) of Latino alleles. These amino acid positions are highly conserved in available vertebrate species. This alteration is predicted to be deleterious by in silico analysis (Choi, 2012). Based on insufficient or conflicting evidence, the clinical significance of this alteration remains unclear.

Labcorp Genetics (formerly Invitae), Labcorp
Classification: Pathogenic for Hypohidrotic X-linked ectodermal dysplasia. Last evaluated: 2024-02-13. Review status: criteria provided, single submitter. Criteria: Invitae Variant Classification Sherloc (09022015). Collection method: clinical testing. Allele origin: germline.
Comment: This variant, c.660_668del, results in the deletion of 3 amino acid(s) of the EDA protein (p.Pro223_Pro225del), but otherwise preserves the integrity of the reading frame. This variant is present in population databases (no rsID available, gnomAD 0.004%). This variant has not been reported in the literature in individuals affected with EDA-related conditions. This variant disrupts a region of the EDA protein in which other variant(s) (p.Gly224Arg) have been determined to be pathogenic (Invitae). This suggests that this is a clinically significant region of the protein, and that variants that disrupt it are likely to be disease-causing. For these reasons, this variant has been classified as Pathogenic.

NM_001399.5(EDA):c.660_668del (p.217PGP[2])

Gene: EDA (ectodysplasin A; plus strand). Cytogenetic location: Xq13.1.
Variant type: Deletion.
Coding change: c.660_668del on transcript NM_001399.5 (MANE Select); coding-DNA positions 660 to 668, 9 bases deleted (AGGTCCTCC; older notation c.660_668delAGGTCCTCC).
Protein change: p.217PGP[2].
Molecular consequence: inframe deletion.
Genome position (GRCh38, 1-based): chrX:70,027,990-70,027,998, AGGTCCTCC deleted; deleting any 9 consecutive bases within chrX:70,027,982-70,027,998 gives the same sequence; the c. name uses the placement nearest the transcript's 3' end. VCF-style (leftmost placement, unchanged base first): chrX-70027981-TGGTCCTCCA-T. GRCh37 (hg19) VCF-style: chrX-69247831-TGGTCCTCCA-T.
Other names: c.660_668del, p.217PGP[2] (NM_001005609.2, NM_001005612.3); c.660_668delAGGTCCTCC (NM_001399.4).
Identifiers: ClinVar variation 2716467 (VCV002716467.4), dbSNP rs1326976532, ClinGen allele CA642473171.